The following is an entry in ClinVar:

NM_001009944.3(PKD1):c.3883G>T (p.Glu1295Ter)

Gene: PKD1 (polycystin 1, transient receptor potential channel interacting; minus strand). Cytogenetic location: 16p13.3.
Variant type: single nucleotide variant.
Coding change: c.3883G>T on transcript NM_001009944.3 (MANE Select); coding-DNA position 3883, G replaced by T.
Protein change: p.Glu1295Ter; replaces glutamic acid 1295 with a stop codon.
Molecular consequence: nonsense.
Genome position (GRCh38, 1-based): chr16:2,111,284, C>A on the plus strand (G>T on the coding strand, the complement: PKD1 is on the minus strand). VCF-style: chr16-2111284-C-A. GRCh37 (hg19) VCF-style: chr16-2161285-C-A.
Other names: c.3883G>T, p.Glu1295Ter (NM_000296.4); short protein forms E1295*.
Identifiers: ClinVar variation 972858 (VCV000972858.2), dbSNP rs780119305, ClinGen allele CA7832596.

ClinVar aggregate classification (germline): Pathogenic/Likely pathogenic. Review status: criteria provided, multiple submitters, no conflicts (2 of 4 stars). 2 submissions from 2 submitters: Pathogenic (1); Likely pathogenic (1). Last evaluated 2022-02-02.

Conditions:
Polycystic kidney disease, adult type (PKD1). Also called: Polycystic Kidney Disease 1, Autosomal Dominant; Polycystic kidney disease 1; Polycystic kidney disease 1, severe; Polycystic Kidney, Autosomal Dominant; POLYCYSTIC KIDNEY DISEASE 1 WITH OR WITHOUT POLYCYSTIC LIVER DISEASE; POLYCYSTIC KIDNEY DISEASE, ADULT, TYPE I. Identifiers: MedGen C3149841, MONDO:0008263, OMIM 173900.

Allele frequency attached by ClinVar (database versions not stated): gnomAD exomes below 0.00001; ExAC 0.00001.
gnomAD v4.1: 1 of 1,609,580 alleles (0.000062%); highest among the groups gnomAD compares: Non-Finnish European, 0.000085%; no homozygotes.

Submissions (2):

Victorian Clinical Genetics Services, Murdoch Childrens Research Institute
Classification: Pathogenic for Polycystic kidney disease, adult type. Last evaluated: 2022-02-02. Review status: criteria provided, single submitter. Criteria: ACMG Guidelines, 2015. Collection method: clinical testing. Allele origin: germline. Inheritance: Autosomal dominant inheritance.
Comment: Based on the classification scheme VCGS_Germline_v1.3.4, this variant is classified as Pathogenic. Following criteria are met: 0102 - Loss of function is a known mechanism of disease in this gene and is associated with polycystic kidney disease 1 (MIM#173900). (I) 0107 - This gene is associated with autosomal dominant disease. Polycystic kidney disease 1 (MIM#173900) is predominantly caused by monoallelic variants, with rare reports of biallelic variants causing disease (OMIM). (I) 0201 - Variant is predicted to cause nonsense-mediated decay (NMD) and loss of protein (premature termination codon is located at least 54 nucleotides upstream of the final exon-exon junction). (SP) 0251 - This variant is heterozygous. (I) 0301 - Variant is absent from gnomAD (both v2 and v3). (SP) 0701 - Other variants predicted to cause NMD comparable to the one identified in this case have very strong previous evidence for pathogenicity (DECIPHER). (SP) 0803 - This variant has limited previous evidence of pathogenicity in unrelated individuals. It has been reported as likely pathogenic in ClinVar and detected in at least one individual with autosomal dominant polycystic kidney disease (PMID: 31807928). (SP) 1208 - Inheritance information for this variant is not currently available in this individual. (I) Legend: (SP) - Supporting pathogenic, (I) - Information, (SB) - Supporting benign

Molecular Genetics of Inherited Kidney Disorders Laboratory, Garvan Institute of Medical Research
Classification: Likely pathogenic. Last evaluated: 2019-01-01. Review status: criteria provided, single submitter. Criteria: ACMG Guidelines, 2015. Collection method: clinical testing. Allele origin: germline. Affected: yes.

Literature cited by the submitters: PubMed 31807928 (cited by Victorian Clinical Genetics Services, Murdoch Childrens Research Institute).